The following is an entry in ClinVar:

ClinVar aggregate classification (germline): Uncertain significance (1 of 4 stars; one submission).

gnomAD v4.1: 12 of 1,612,658 alleles (0.00074%); highest among the groups gnomAD compares: East Asian, 0.0022%; no homozygotes.

Submission:

Labcorp Genetics (formerly Invitae), Labcorp
Classification: Uncertain significance. Last evaluated: 2024-07-16. Review status: criteria provided, single submitter. Criteria: Invitae Variant Classification Sherloc (09022015). Collection method: clinical testing. Allele origin: germline.
Comment: This sequence change replaces valine, which is neutral and non-polar, with methionine, which is neutral and non-polar, at codon 235 of the CD81 protein (p.Val235Met). This variant is present in population databases (no rsID available, gnomAD 0.007%). This variant has not been reported in the literature in individuals affected with CD81-related conditions. An algorithm developed to predict the effect of missense changes on protein structure and function (PolyPhen-2) suggests that this variant is likely to be disruptive. In summary, the available evidence is currently insufficient to determine the role of this variant in disease. Therefore, it has been classified as a Variant of Uncertain Significance.

NM_004356.4(CD81):c.703G>A (p.Val235Met)

Gene: CD81 (CD81 molecule; plus strand). Cytogenetic location: 11p15.5.
Variant type: single nucleotide variant.
Coding change: c.703G>A on transcript NM_004356.4 (MANE Select); coding-DNA position 703, G replaced by A.
Protein change: p.Val235Met; replaces valine 235 with methionine.
Molecular consequence: missense variant.
Genome position (GRCh38, 1-based): chr11:2,396,858, G>A. VCF-style: chr11-2396858-G-A. GRCh37 (hg19) VCF-style: chr11-2418088-G-A.
Other names: c.490G>A, p.Val164Met (NM_001297649.2, NM_001425129.1, NM_001425130.1 and 3 more transcripts); c.826G>A, p.Val276Met (NM_001425135.1); c.700G>A, p.Val234Met (NM_001425137.1); c.487G>A, p.Val163Met (NM_001425138.1); short protein forms V163M, V164M, V234M, V235M, V276M.
Identifiers: ClinVar variation 3612549 (VCV003612549.2).